The following is an entry in ClinVar:

ClinVar aggregate classification (germline): Uncertain significance (1 of 4 stars; one submission).

Conditions:
Immunodeficiency 35 (IMD35). Also called: TYK2 DEFICIENCY; HIES WITH ATYPICAL MYCOBACTERIOSIS, AUTOSOMAL RECESSIVE; HYPER-IgE SYNDROME WITH ATYPICAL MYCOBACTERIOSIS, AUTOSOMAL RECESSIVE; Susceptibility to infection due to TYK2 deficiency. Identifiers: Orphanet 331226, MedGen C1969086, MONDO:0012682, OMIM 611521.

Submission:

Labcorp Genetics (formerly Invitae), Labcorp
Classification: Uncertain significance for Immunodeficiency 35. Last evaluated: 2021-09-25. Review status: criteria provided, single submitter. Criteria: Invitae Variant Classification Sherloc (09022015). Collection method: clinical testing. Allele origin: germline.
Comment: This variant has not been reported in the literature in individuals affected with TYK2-related conditions. In summary, the available evidence is currently insufficient to determine the role of this variant in disease. Therefore, it has been classified as a Variant of Uncertain Significance. Algorithms developed to predict the effect of missense changes on protein structure and function are either unavailable or do not agree on the potential impact of this missense change (SIFT: "Not Available"; PolyPhen-2: "Possibly Damaging"; Align-GVGD: "Not Available"). This variant is not present in population databases (ExAC no frequency). This sequence change replaces alanine with glycine at codon 1081 of the TYK2 protein (p.Ala1081Gly). The alanine residue is highly conserved and there is a small physicochemical difference between alanine and glycine.

NM_003331.5(TYK2):c.3242C>G (p.Ala1081Gly)

Gene: TYK2 (tyrosine kinase 2; minus strand). Cytogenetic location: 19p13.2.
Variant type: single nucleotide variant.
Coding change: c.3242C>G on transcript NM_003331.5 (MANE Select); coding-DNA position 3242, C replaced by G.
Protein change: p.Ala1081Gly; replaces alanine 1081 with glycine.
Molecular consequence: missense variant. On other transcripts: intron variant (1).
Genome position (GRCh38, 1-based): chr19:10,352,510, G>C on the plus strand (C>G on the coding strand, the complement: TYK2 is on the minus strand). VCF-style: chr19-10352510-G-C. GRCh37 (hg19) VCF-style: chr19-10463186-G-C.
Other names: c.3242C>G, p.Ala1081Gly (NM_001385197.1); c.3056C>G, p.Ala1019Gly (NM_001385199.1); c.3239C>G, p.Ala1080Gly (NM_001385200.1); c.3044C>G, p.Ala1015Gly (NM_001385201.1); c.3158C>G, p.Ala1053Gly (NM_001385202.1); c.3323C>G, p.Ala1108Gly (NM_001385203.1); c.3452C>G, p.Ala1151Gly (NM_001385204.1); c.3152C>G, p.Ala1051Gly (NM_001385205.1); and 3 more; short protein forms A1039G, A1080G, A1081G, A1019G, A1108G, A1151G, A1015G, A1051G.
Identifiers: ClinVar variation 1470496 (VCV001470496.6), dbSNP rs2040862056, ClinGen allele CA403983259.
Genomic context (GRCh38, chr19:10,352,510, plus strand): 5'-CTGGAGTCACAGTGCGTCAGCAGCTCATACAGGGTCACCCCGAAGGACCAGACATCTGAC[G>C]CATAGTAGAACTTATACTCCTTCAGGCACTCTGGGGCATACCTAGGGGGAGGGGGGCACT-3'
Protein context (NP_003322.3, residues 1071-1091): ECLKEYKFYY[Ala1081Gly]SDVWSFGVTL